The following is an entry in ClinVar:

ClinVar aggregate classification (germline): Benign. Review status: criteria provided, multiple submitters, no conflicts (2 of 4 stars). 3 submissions from 3 submitters: Benign (3). Last evaluated 2025-03-18.

Conditions:
DACT1-related disorder. Also called: DACT1-related condition.

Allele frequency attached by ClinVar (database versions not stated): gnomAD exomes 0.00102; ExAC 0.00133; ESP Exome Variant Server 0.00369; gnomAD 0.00384 and 0.00411; TOPMed 0.00456; 1000 Genomes Project 0.00499; 1000 Genomes Project 30x 0.00531.

Submissions (3):

PreventionGenetics, part of Exact Sciences
Classification: Benign for DACT1-related condition. Last evaluated: 2025-03-18. Review status: criteria provided, single submitter. Criteria: ACMG Guidelines, 2015. Collection method: clinical testing. Allele origin: germline.
Comment: This variant is classified as benign based on ACMG/AMP sequence variant interpretation guidelines (Richards et al. 2015 PMID: 25741868, with internal and published modifications).

Labcorp Genetics (formerly Invitae), Labcorp
Classification: Benign. Last evaluated: 2019-12-31. Review status: criteria provided, single submitter. Criteria: Invitae Variant Classification Sherloc (09022015). Collection method: clinical testing. Allele origin: germline.

Breakthrough Genomics
Classification: Benign. Review status: criteria provided, single submitter. Criteria: ACMG Guidelines, 2015. Collection method: not provided. Allele origin: germline. Inheritance: Autosomal dominant inheritance. Affected: yes.

NM_001079520.2(DACT1):c.1193T>C (p.Leu398Pro)

Gene: DACT1 (dishevelled binding antagonist of beta catenin 1; plus strand). Cytogenetic location: 14q23.1.
Variant type: single nucleotide variant.
Coding change: c.1193T>C on transcript NM_001079520.2 (MANE Select); coding-DNA position 1193, T replaced by C.
Protein change: p.Leu398Pro; replaces leucine 398 with proline.
Molecular consequence: missense variant. On other transcripts: non-coding transcript variant (2).
Genome position (GRCh38, 1-based): chr14:58,645,927, T>C. VCF-style: chr14-58645927-T-C. GRCh37 (hg19) VCF-style: chr14-59112645-T-C.
Other names: c.1304T>C, p.Leu435Pro (NM_016651.6); short protein forms L398P, L435P.
Identifiers: ClinVar variation 790142 (VCV000790142.6), dbSNP rs114859205, ClinGen allele CA7206752.